The following is an entry in ClinVar:

ClinVar aggregate classification (germline): Uncertain significance (1 of 4 stars; one submission).

Conditions:
Autosomal recessive limb-girdle muscular dystrophy type 2A (LGMDR1). Also called: Limb-girdle muscular dystrophy, type 2A; Calpainopathy; LEYDEN-MOEBIUS MUSCULAR DYSTROPHY; MUSCULAR DYSTROPHY, PELVOFEMORAL; Muscular dystrophy, limb-girdle, type 2A, Amish. Identifiers: Orphanet 267, MedGen C1869123, MONDO:0009675, OMIM 253600. Disease mechanism: loss of function.

Submission:

Labcorp Genetics (formerly Invitae), Labcorp
Classification: Uncertain significance for Autosomal recessive limb-girdle muscular dystrophy type 2A. Last evaluated: 2021-02-28. Review status: criteria provided, single submitter. Criteria: Invitae Variant Classification Sherloc (09022015). Collection method: clinical testing. Allele origin: germline.
Comment: Algorithms developed to predict the effect of sequence changes on RNA splicing suggest that this variant may create or strengthen a splice site, but this prediction has not been confirmed by published transcriptional studies. In summary, the available evidence is currently insufficient to determine the role of this variant in disease. Therefore, it has been classified as a Variant of Uncertain Significance. This variant has not been reported in the literature in individuals with CAPN3-related conditions. This variant is not present in population databases (ExAC no frequency). This sequence change affects codon 147 of the CAPN3 mRNA. It is a 'silent' change, meaning that it does not change the encoded amino acid sequence of the CAPN3 protein.

NM_000070.3(CAPN3):c.439C>A (p.Arg147=)

Genes: CAPN3 (calpain 3; plus strand), LOC126862115 (BRD4-independent group 4 enhancer GRCh37_chr15:42677734-42678933; plus strand). Cytogenetic location: 15q15.1.
Variant type: single nucleotide variant.
Coding change: c.439C>A on transcript NM_000070.3 (MANE Select); coding-DNA position 439, C replaced by A.
Protein change: p.Arg147=; no amino-acid change (arginine 147 retained).
Molecular consequence: synonymous variant.
Genome position (GRCh38, 1-based): chr15:42,386,226, C>A. VCF-style: chr15-42386226-C-A. GRCh37 (hg19) VCF-style: chr15-42678424-C-A.
Other names: c.439C>A, p.Arg147= (NM_024344.2, NM_173087.2).
Identifiers: ClinVar variation 1376264 (VCV001376264.8), dbSNP rs878854364, ClinGen allele CA489878588.